The following is an entry in ClinVar:

NM_001035.3(RYR2):c.11040-2A>G

Gene: RYR2 (ryanodine receptor 2; plus strand). Cytogenetic location: 1q43.
Variant type: single nucleotide variant.
Coding change: c.11040-2A>G on transcript NM_001035.3 (MANE Select); the canonical splice acceptor site of the intron before coding-DNA position 11040, A replaced by G.
Molecular consequence: splice acceptor variant.
Genome position (GRCh38, 1-based): chr1:237,733,703, A>G. VCF-style: chr1-237733703-A-G. GRCh37 (hg19) VCF-style: chr1-237897003-A-G.
Identifiers: ClinVar variation 3385837 (VCV003385837.1).

ClinVar aggregate classification (germline): Uncertain significance (1 of 4 stars; one submission).

Conditions:
Catecholaminergic polymorphic ventricular tachycardia (CVPT). Also called: Catecholamine-induced polymorphic ventricular tachycardia. Identifiers: Orphanet 3286, MedGen C5574922, MONDO:0017990.

Submission:

All of Us Research Program, National Institutes of Health
Classification: Uncertain significance for Catecholaminergic polymorphic ventricular tachycardia. Last evaluated: 2024-03-05. Review status: criteria provided, single submitter. Criteria: ACMG Guidelines, 2015. Collection method: clinical testing. Allele origin: germline. Inheritance: Autosomal dominant inheritance. Observed: 1 variant allele, 1 heterozygote.
Comment: This study involves interpretation of variants in research participants for the purpose of population health screening. Participant phenotype was not available at the time of variant classification. Additional details can be found in publication PMID: 35346344, PMCID: PMC8962531